The following is an entry in ClinVar:

NM_000297.4(PKD2):c.1162_1180del (p.Gly388fs)

Gene: PKD2 (polycystin 2, transient receptor potential cation channel; plus strand). Cytogenetic location: 4q22.1.
Variant type: Deletion.
Coding change: c.1162_1180del on transcript NM_000297.4 (MANE Select); coding-DNA positions 1162 to 1180, 19 bases deleted (GGAGCTGGCTATTATCTGG).
Protein change: p.Gly388fs; shifts the reading frame from glycine 388.
Molecular consequence: frameshift variant. On other transcripts: non-coding transcript variant (1).
Genome position (GRCh38, 1-based): chr4:88,043,300-88,043,318, GGAGCTGGCTATTATCTGG deleted. VCF-style (leftmost placement, unchanged base first): chr4-88043299-TGGAGCTGGCTATTATCTGG-T. GRCh37 (hg19) VCF-style: chr4-88964451-TGGAGCTGGCTATTATCTGG-T.
Other names: short protein forms G388fs.
Identifiers: ClinVar variation 3236190 (VCV003236190.1), dbSNP rs2475915681, ClinGen allele CA2825001316.

ClinVar aggregate classification (germline): Pathogenic (1 of 4 stars; one submission).

Conditions:
Polycystic kidney disease 2 (PKD2). Also called: Polycystic Kidney Disease 2, Autosomal Dominant; POLYCYSTIC KIDNEY DISEASE 2 WITH OR WITHOUT POLYCYSTIC LIVER DISEASE; POLYCYSTIC KIDNEY DISEASE, ADULT, TYPE II. Identifiers: MedGen C2751306, MONDO:0013131, OMIM 613095.

Submission:

MVZ Medizinische Genetik Mainz
Classification: Pathogenic for Polycystic kidney disease 2. Last evaluated: 2022-01-03. Review status: criteria provided, single submitter. Criteria: UK Practice Guidelines For Variant Classification V4 01 2020. Collection method: clinical testing. Allele origin: germline. Inheritance: Autosomal dominant inheritance. Affected: yes. Observed: 1 variant allele.
Comment: ACMG Criteria: PVS1, PM2_SUP, PP4 (ACMG Version 3)